The following is an entry in ClinVar:

NC_000016.9:g.(?_7382983)_(7647453_?)dup

Gene: RBFOX1 (RNA binding fox-1 homolog 1; plus strand). Cytogenetic location: 16p13.3.
Variant type: Duplication.
Identifiers: ClinVar variation 1036883 (VCV001036883.7).

ClinVar aggregate classification (germline): Uncertain significance (1 of 4 stars; one submission).

Conditions:
Idiopathic generalized epilepsy. Also called: EIG; Generalised epilepsy. Identifiers: MedGen C0270850, MONDO:0005579, OMIM 600669.

Submission:

Labcorp Genetics (formerly Invitae), Labcorp
Classification: Uncertain significance for Idiopathic generalized epilepsy. Last evaluated: 2022-08-16. Review status: criteria provided, single submitter. Criteria: Invitae Variant Classification Sherloc (09022015). Collection method: clinical testing. Allele origin: germline.
Comment: In summary, the available evidence is currently insufficient to determine the role of this variant in disease. Therefore, it has been classified as a Variant of Uncertain Significance. This variant has not been reported in the literature in individuals affected with RBFOX1-related conditions. This variant results in a copy number gain of the genomic region encompassing exon(s) 1-6 of the RBFOX1 gene. This region includes the initiator codon of the gene. This copy number gain extends beyond the assayed region for this gene and therefore may encompass additional genes. As the precise location of this event is unknown, it may be in tandem or it may be located elsewhere in the genome.